The following is an entry in ClinVar:

NM_206933.4(USH2A):c.13034_13045del (p.Lys4345_Ser4348del)

Gene: USH2A (usherin; minus strand). Cytogenetic location: 1q41.
Variant type: Deletion.
Coding change: c.13034_13045del on transcript NM_206933.4 (MANE Select); coding-DNA positions 13034 to 13045, 12 bases deleted (AACCCACCAGCA).
Protein change: p.Lys4345_Ser4348del.
Molecular consequence: inframe deletion.
Genome position (GRCh38, 1-based): chr1:215,674,866-215,674,877, TGCTGGTGGGTT deleted on the plus strand (AACCCACCAGCA on the coding strand, the reverse complement: USH2A is on the minus strand); deleting any 12 consecutive bases within chr1:215,674,866-215,674,886 gives the same sequence; the c. name uses the placement nearest the transcript's 3' end. VCF-style (leftmost placement, unchanged base first): chr1-215674865-ATGCTGGTGGGTT-A. GRCh37 (hg19) VCF-style: chr1-215848207-ATGCTGGTGGGTT-A.
Identifiers: ClinVar variation 2504696 (VCV002504696.2), dbSNP rs776227127, ClinGen allele CA1393365.
Genomic context (GRCh38, chr1:215,674,865, plus strand): 5'-GCACTGACGGCCCAAAGATCTGGAGGGCTGACTTCTGATGGAGCAGCCTCCAGAGTTGTG[ATGCTGGTGGGTT>A]TGCTGGTGGAGCATCCTCCACTCGTGCAGGCTTGGAGTGCATAGCTATAGGTGGAAAAAG-3'

ClinVar aggregate classification (germline): Uncertain significance. Review status: criteria provided, multiple submitters, no conflicts (2 of 4 stars). 2 submissions from 2 submitters: Uncertain significance (2). Last evaluated 2022-12-06.

Submissions (2):

GeneDx
Classification: Uncertain significance. Last evaluated: 2022-12-06. Review status: criteria provided, single submitter. Criteria: GeneDx Variant Classification Process June 2021. Collection method: clinical testing. Allele origin: germline. Affected: yes.
Comment: In-frame deletion of 4 amino acids in a non-repeat region; Not observed at significant frequency in large population cohorts (gnomAD); Has not been previously published as pathogenic or benign to our knowledge

Blueprint Genetics
Classification: Uncertain significance. Last evaluated: 2022-08-08. Review status: criteria provided, single submitter. Criteria: ACMG Guidelines, 2015. Collection method: clinical testing. Allele origin: germline.